The following is an entry in ClinVar:

ClinVar aggregate classification (germline): Conflicting classifications of pathogenicity. Review status: criteria provided, conflicting classifications (1 of 4 stars). 2 submissions from 2 submitters: Uncertain significance (1); Benign (1). Last evaluated 2025-09-24.

Conditions:
Familial adenomatous polyposis 2. Also called: COLORECTAL ADENOMATOUS POLYPOSIS, AUTOSOMAL RECESSIVE; ADENOMAS, MULTIPLE COLORECTAL, AUTOSOMAL RECESSIVE; MUTYH-associated polyposis; FAP type 2; MUTYH-related attenuated familial adenomatous polyposis; Adenomas, multiple colorectal. Identifiers: Orphanet 220460, Orphanet 247798, MedGen C3272841, MONDO:0012041, OMIM 608456.
Hereditary cancer-predisposing syndrome. Also called: Neoplastic Syndromes, Hereditary; Tumor predisposition; Hereditary neoplastic syndrome; Hereditary Cancer Syndrome. Identifiers: Orphanet 140162, MedGen C0027672, MeSH D009386, MONDO:0015356.

Submissions (2):

Labcorp Genetics (formerly Invitae), Labcorp
Classification: Uncertain significance for Familial adenomatous polyposis 2. Last evaluated: 2025-09-24. Review status: criteria provided, single submitter. Criteria: Invitae Variant Classification Sherloc (09022015). Collection method: clinical testing. Allele origin: germline.
Comment: This sequence change replaces serine, which is neutral and polar, with asparagine, which is neutral and polar, at codon 255 of the MUTYH protein (p.Ser255Asn). This variant is not present in population databases (gnomAD no frequency). This variant has not been reported in the literature in individuals affected with MUTYH-related conditions. ClinVar contains an entry for this variant (Variation ID: 464737). An algorithm developed to predict the effect of missense changes on protein structure and function outputs the following: PolyPhen-2: "Benign". The asparagine amino acid residue is found in multiple mammalian species, which suggests that this missense change does not adversely affect protein function. In summary, the available evidence is currently insufficient to determine the role of this variant in disease. Therefore, it has been classified as a Variant of Uncertain Significance.

Ambry Genetics
Classification: Benign for Hereditary cancer-predisposing syndrome. Last evaluated: 2025-09-16. Review status: criteria provided, single submitter. Criteria: Ambry Variant Classification Scheme 2023. Collection method: clinical testing. Allele origin: germline.

NM_001048174.2(MUTYH):c.680G>A (p.Ser227Asn)

Gene: MUTYH (mutY DNA glycosylase; minus strand). Cytogenetic location: 1p34.1.
Variant type: single nucleotide variant.
Coding change: c.680G>A on transcript NM_001048174.2 (MANE Select); coding-DNA position 680, G replaced by A.
Protein change: p.Ser227Asn; replaces serine 227 with asparagine.
Molecular consequence: missense variant. On other transcripts: non-coding transcript variant (2).
Genome position (GRCh38, 1-based): chr1:45,332,415, C>T on the plus strand (G>A on the coding strand, the complement: MUTYH is on the minus strand). VCF-style: chr1-45332415-C-T. GRCh37 (hg19) VCF-style: chr1-45798087-C-T.
Other names: c.680G>A, p.Ser227Asn (NM_001048171.2, NM_001048173.2, NM_001293195.2); c.683G>A, p.Ser228Asn (NM_001048172.2); c.764G>A, p.Ser255Asn (NM_001128425.2); c.725G>A, p.Ser242Asn (NM_001293190.2); c.713G>A, p.Ser238Asn (NM_001293191.2); c.404G>A, p.Ser135Asn (NM_001293192.2, NM_001293196.2); c.335G>A, p.Ser112Asn (NM_001350650.2, NM_001350651.2); c.755G>A, p.Ser252Asn (NM_012222.3); short protein forms S255N, S112N, S227N, S228N, S242N, S135N, S238N, S252N.
Identifiers: ClinVar variation 464737 (VCV000464737.12), dbSNP rs1553128005, ClinGen allele CA340134795.
Genomic context (GRCh38, chr1:45,332,415, plus strand): 5'-CACCCCTGAAGCACCCTTGTTACCCCAACATCCTACCAGAGCTGCTGGGAAACAAGGGTG[C>T]TGCTGGGATCAGCACCAATGGCTCGGACACGGCACAGCACCCGTGCTACGTTGCCATCCA-3'
Protein context (NP_001041639.1, residues 217-237): RVRAIGADPS[Ser227Asn]TLVSQQLWGL